The following is an entry in ClinVar:

ClinVar aggregate classification (germline): Likely pathogenic (1 of 4 stars; one submission).

Allele frequency attached by ClinVar (database versions not stated): gnomAD exomes below 0.00001; TOPMed below 0.00001; ExAC 0.00001; gnomAD 0.00001.

Submission:

Labcorp Genetics (formerly Invitae), Labcorp
Classification: Likely pathogenic. Last evaluated: 2024-01-28. Review status: criteria provided, single submitter. Criteria: Invitae Variant Classification Sherloc (09022015). Collection method: clinical testing. Allele origin: germline.
Comment: This sequence change replaces alanine, which is neutral and non-polar, with threonine, which is neutral and polar, at codon 306 of the CYP11B1 protein (p.Ala306Thr). This variant is present in population databases (rs775454138, gnomAD 0.0009%). This variant has not been reported in the literature in individuals affected with CYP11B1-related conditions. ClinVar contains an entry for this variant (Variation ID: 2198928). Advanced modeling of protein sequence and biophysical properties (such as structural, functional, and spatial information, amino acid conservation, physicochemical variation, residue mobility, and thermodynamic stability) performed at Invitae indicates that this missense variant is expected to disrupt CYP11B1 protein function with a positive predictive value of 95%. This variant disrupts the p.Ala306 amino acid residue in CYP11B1. Other variant(s) that disrupt this residue have been determined to be pathogenic (PMID: 15807871, 24022297). This suggests that this residue is clinically significant, and that variants that disrupt this residue are likely to be disease-causing. In summary, the currently available evidence indicates that the variant is pathogenic, but additional data are needed to prove that conclusively. Therefore, this variant has been classified as Likely Pathogenic.

Literature cited by the submitters: PubMed 15807871; PubMed 24022297.

NM_000497.4(CYP11B1):c.916G>A (p.Ala306Thr)

Genes: CYP11B1 (cytochrome P450 family 11 subfamily B member 1; minus strand), LOC106799833 (CYP11B1 recombination region; plus strand). Cytogenetic location: 8q24.3.
Variant type: single nucleotide variant.
Coding change: c.916G>A on transcript NM_000497.4 (MANE Select); coding-DNA position 916, G replaced by A.
Protein change: p.Ala306Thr; replaces alanine 306 with threonine.
Molecular consequence: missense variant.
Genome position (GRCh38, 1-based): chr8:142,876,279, C>T on the plus strand (G>A on the coding strand, the complement: CYP11B1 is on the minus strand). VCF-style: chr8-142876279-C-T. GRCh37 (hg19) VCF-style: chr8-143957695-C-T.
Other names: c.916G>A, p.Ala306Thr (NM_001026213.1); short protein forms A306T.
Identifiers: ClinVar variation 2198928 (VCV002198928.4), dbSNP rs775454138, ClinGen allele CA4905253.